The following is an entry in ClinVar:

ClinVar aggregate classification (germline): Likely benign (0 of 4 stars; one submission).

Conditions:
MYCBP2-related disorder. Also called: MYCBP2-related condition.

Allele frequency attached by ClinVar (database versions not stated): gnomAD exomes 0.00016; ExAC 0.00047; 1000 Genomes Project 0.00100; 1000 Genomes Project 30x 0.00125; gnomAD 0.00158; TOPMed 0.00176; ESP Exome Variant Server 0.00192.
gnomAD v4.1: 483 of 1,612,752 alleles (0.03%); highest among the groups gnomAD compares: African/African-American, 0.56%; 2 homozygotes.

Submission:

PreventionGenetics, part of Exact Sciences
Classification: Likely benign for MYCBP2-related condition. Last evaluated: 2020-01-10. Review status: no assertion criteria provided. Collection method: clinical testing. Allele origin: germline.
Comment: This variant is classified as likely benign based on ACMG/AMP sequence variant interpretation guidelines (Richards et al. 2015 PMID: 25741868, with internal and published modifications).

NM_015057.5(MYCBP2):c.2381+9C>T

Gene: MYCBP2 (MYC binding protein 2; minus strand). Cytogenetic location: 13q22.3.
Variant type: single nucleotide variant.
Coding change: c.2381+9C>T on transcript NM_015057.5 (MANE Select); 9 bases into the intron after coding-DNA position 2381, C replaced by T.
Molecular consequence: intron variant.
Genome position (GRCh38, 1-based): chr13:77,251,142, G>A on the plus strand (C>T on the coding strand, the complement: MYCBP2 is on the minus strand). VCF-style: chr13-77251142-G-A. GRCh37 (hg19) VCF-style: chr13-77825277-G-A.
Identifiers: ClinVar variation 3051274 (VCV003051274.2), dbSNP rs185218723, ClinGen allele CA7010283.